The following is an entry in ClinVar:

ClinVar aggregate classification (germline): Benign. Review status: criteria provided, multiple submitters, no conflicts (2 of 4 stars). 6 submissions from 3 submitters: Benign (6). Last evaluated 2021-05-14.

Conditions:
Pheochromocytoma. Also called: MAX-Related Hereditary Paraganglioma-Pheochromocytoma Syndrome. Identifiers: Orphanet 29072, MedGen C0031511, MONDO:0008233, OMIM 171300, HP:0002666.
Multiple endocrine neoplasia. Identifiers: Orphanet 276161, MedGen C0027662, MONDO:0017169.
Renal hypodysplasia/aplasia 1 (RHDA1). Also called: RENAL APLASIA; HEREDITARY RENAL APLASIA. Identifiers: Orphanet 411709, MedGen C1619700, MONDO:0024519, OMIM 191830.
Hirschsprung disease, susceptibility to, 1 (HSCR1). Also called: RET-Related Hirschsprung Disease. Identifiers: Orphanet 388, MedGen C3888239, MONDO:0007723, OMIM 142623.

Allele frequency attached by ClinVar (database versions not stated): 1000 Genomes Project 0.74720; 1000 Genomes Project 30x 0.76218; gnomAD exomes 0.78027; gnomAD 0.82151 and 0.83094; TOPMed 0.82756.
gnomAD v4.1: 311,976 of 391,438 alleles (80%); highest among the groups gnomAD compares: African/African-American, 90%; 126,329 homozygotes.

Submissions (6):

GeneDx
Classification: Benign. Last evaluated: 2021-05-14. Review status: criteria provided, single submitter. Criteria: GeneDx Variant Classification Process June 2021. Collection method: clinical testing. Allele origin: germline. Affected: yes.
Comment: This variant is associated with the following publications: (PMID: 12872262)

Illumina Laboratory Services, Illumina
Classification: Benign for Pheochromocytoma. Last evaluated: 2017-04-27. Review status: criteria provided, single submitter. Criteria: ICSL Variant Classification Criteria 13 December 2019. Collection method: clinical testing. Allele origin: germline.
Comment: This variant was observed as part of a predisposition screen in an ostensibly healthy population. A literature search was performed for the gene, cDNA change, and amino acid change (where applicable). No publications were found based on this search. Allele frequency data from public databases was too high to be consistent with this variant causing disease. Therefore, this variant is classified as benign.

Illumina Laboratory Services, Illumina
Classification: Benign for Renal hypodysplasia/aplasia 1. Last evaluated: 2017-04-27. Review status: criteria provided, single submitter. Criteria: ICSL Variant Classification Criteria 13 December 2019. Collection method: clinical testing. Allele origin: germline.
Comment: the same text as in the submission from Illumina Laboratory Services, Illumina above.

Illumina Laboratory Services, Illumina
Classification: Benign for Multiple endocrine neoplasia. Last evaluated: 2017-04-27. Review status: criteria provided, single submitter. Criteria: ICSL Variant Classification Criteria 13 December 2019. Collection method: clinical testing. Allele origin: germline.
Comment: the same text as in the submission from Illumina Laboratory Services, Illumina above.

Illumina Laboratory Services, Illumina
Classification: Benign for Hirschsprung disease, susceptibility to, 1. Last evaluated: 2017-04-27. Review status: criteria provided, single submitter. Criteria: ICSL Variant Classification Criteria 13 December 2019. Collection method: clinical testing. Allele origin: germline.
Comment: the same text as in the submission from Illumina Laboratory Services, Illumina above.

Breakthrough Genomics
Classification: Benign. Review status: criteria provided, single submitter. Criteria: ACMG Guidelines, 2015. Collection method: not provided. Allele origin: germline. Inheritance: Autosomal dominant inheritance. Affected: yes.

NM_020975.6(RET):c.*1506G>A

Gene: RET (ret proto-oncogene; plus strand). Cytogenetic location: 10q11.21.
Variant type: single nucleotide variant.
Coding change: c.*1506G>A on transcript NM_020975.6 (MANE Select); 1506 bases downstream of the stop codon, G replaced by A.
Molecular consequence: 3 prime UTR variant.
Genome position (GRCh38, 1-based): chr10:43,129,775, G>A. VCF-style: chr10-43129775-G-A. GRCh37 (hg19) VCF-style: chr10-43625223-G-A.
Other names: c.*1506G>A (LRG_518t1).
Identifiers: ClinVar variation 299934 (VCV000299934.10), dbSNP rs2742241, ClinGen allele CA10631682.